The following is an entry in ClinVar:

NM_017986.4(SLC52A1):c.1335del (p.Cys446fs)

Gene: SLC52A1 (solute carrier family 52 member 1; minus strand). Cytogenetic location: 17p13.2.
Variant type: Deletion.
Coding change: c.1335del on transcript NM_017986.4 (MANE Select); coding-DNA position 1335, one base deleted (C; older notation c.1335delC).
Protein change: p.Cys446fs; shifts the reading frame from cysteine 446.
Molecular consequence: frameshift variant.
Genome position (GRCh38, 1-based): chr17:5,032,969, G deleted on the plus strand (C on the coding strand, the reverse complement: SLC52A1 is on the minus strand); the first of 4 consecutive G bases (chr17:5,032,969-5,032,972); deleting any one gives the same sequence. VCF-style (leftmost placement, unchanged base first): chr17-5032968-AG-A. GRCh37 (hg19) VCF-style: chr17-4936263-AG-A.
Other names: c.1335del, p.Cys446fs (NM_001104577.2); short protein forms C446fs.
Identifiers: ClinVar variation 4808054 (VCV004808054.1).
Genomic context (GRCh38, chr17:5,032,968, plus strand): 5'-CTCACGATGAAGACAGGTGGGGTGGAGTTGGGTCCCCACCTGCCCAGGCTCAGGGGCCAC[AG>A]GGGTCTACACAGTCCTTTCTGCTTTGAAACACGTGGTAGATGCTGGTGGGAGGGAACATG-3'

ClinVar aggregate classification (germline): Uncertain significance (1 of 4 stars; one submission).

Conditions:
Vitamin B2 deficiency. Identifiers: MedGen C0035528.

Submission:

Labcorp Genetics (formerly Invitae), Labcorp
Classification: Uncertain significance for Vitamin B2 deficiency. Last evaluated: 2025-06-01. Review status: criteria provided, single submitter. Criteria: Invitae Variant Classification Sherloc (09022015). Collection method: clinical testing. Allele origin: germline.
Comment: This sequence change is expected to alter the c-terminus of the SLC52A1 protein (p.Cys446Valfs*87). While this is not anticipated to result in nonsense mediated decay, it is expected to disrupt the last 3 amino acid(s) of the SLC52A1 protein and extend the protein by 83 additional amino acid residues. This variant is not present in population databases (gnomAD no frequency). This variant has not been reported in the literature in individuals affected with SLC52A1-related conditions. Experimental studies and prediction algorithms are not available or were not evaluated, and the functional significance of this variant is currently unknown. In summary, the available evidence is currently insufficient to determine the role of this variant in disease. Therefore, it has been classified as a Variant of Uncertain Significance.